The following is an entry in ClinVar:

NM_020163.3(SEMA3G):c.527G>A (p.Arg176His)

Gene: SEMA3G (semaphorin 3G; minus strand). Cytogenetic location: 3p21.1.
Variant type: single nucleotide variant.
Coding change: c.527G>A on transcript NM_020163.3 (MANE Select); coding-DNA position 527, G replaced by A.
Protein change: p.Arg176His; replaces arginine 176 with histidine.
Molecular consequence: missense variant.
Genome position (GRCh38, 1-based): chr3:52,441,842, C>T on the plus strand (G>A on the coding strand, the complement: SEMA3G is on the minus strand). VCF-style: chr3-52441842-C-T. GRCh37 (hg19) VCF-style: chr3-52475858-C-T.
Other names: short protein forms R176H.
Identifiers: ClinVar variation 3036237 (VCV003036237.2), dbSNP rs777134159, ClinGen allele CA2438314.

ClinVar aggregate classification (germline): Uncertain significance (0 of 4 stars; one submission).

Conditions:
SEMA3G-related disorder. Also called: SEMA3G-related condition.

Allele frequency attached by ClinVar (database versions not stated): gnomAD exomes 0.00001; ExAC 0.00003; gnomAD 0.00003; TOPMed 0.00005.

Submission:

PreventionGenetics, part of Exact Sciences
Classification: Uncertain significance for SEMA3G-related condition. Last evaluated: 2023-12-14. Review status: no assertion criteria provided. Collection method: clinical testing. Allele origin: germline.
Comment: The SEMA3G c.527G>A variant is predicted to result in the amino acid substitution p.Arg176His. To our knowledge, this variant has not been reported in the literature. This variant is reported in 0.010% of alleles in individuals of South Asian descent in gnomAD. At this time, the clinical significance of this variant is uncertain due to the absence of conclusive functional and genetic evidence.